The following is an entry in ClinVar:

ClinVar aggregate classification (germline): Pathogenic (1 of 4 stars; one submission).

Conditions:
Rare genetic deafness. Identifiers: Orphanet 96210, MedGen C5680250.

Submission:

Laboratory for Molecular Medicine, Mass General Brigham Personalized Medicine
Classification: Pathogenic for Rare genetic deafness. Last evaluated: 2015-08-04. Review status: criteria provided, single submitter. Criteria: LMM Criteria. Collection method: clinical testing. Allele origin: germline. Inheritance: Autosomal dominant inheritance. Observed: 3 variant alleles.
Comment: The deletion of exons 8-10 in MITF has not been previously reported in individua ls with Waardenburg syndrome or in large population studies. This variant leads to a copy number loss of at least the last 3 exons of the MITF gene (exons 8 thr ough 10), and is predicted to lead to a truncated or absent protein. Haploinsuff iciency due to heterozygous loss of function variants in the MITF gene is an est ablished disease mechanism in Waardenburg syndrome type 2 (WS2). In summary, thi s variant meets our criteria to be classified as pathogenic for Waardenburg synd rome in an autosomal dominant manner based upon its predicted impact to the prot ein. It should be noted that exact breakpoints of the detected deletion could no t be determined due to limitations of the testing methodology.

Literature cited by the submitters: PubMed 17318840; PubMed 17627390; PubMed 23512835; PubMed 20127975.

NM_198159.2(MITF):c.(?_938)-102_*(78_?)del

Gene: MITF (melanocyte inducing transcription factor; plus strand). Cytogenetic location: 3p13.
Variant type: Deletion.
Identifiers: ClinVar variation 228361 (VCV000228361.4).